The following is an entry in ClinVar:

ClinVar aggregate classification (germline): Uncertain significance (1 of 4 stars; one submission).

Allele frequency attached by ClinVar (database versions not stated): ExAC 0.00001; gnomAD 0.00001; gnomAD exomes 0.00001 and 0.00002; TOPMed 0.00001.

Submission:

Labcorp Genetics (formerly Invitae), Labcorp
Classification: Uncertain significance. Last evaluated: 2021-02-23. Review status: criteria provided, single submitter. Criteria: Invitae Variant Classification Sherloc (09022015). Collection method: clinical testing. Allele origin: germline.
Comment: This sequence change replaces tyrosine with cysteine at codon 2309 of the NBAS protein (p.Tyr2309Cys). The tyrosine residue is highly conserved and there is a large physicochemical difference between tyrosine and cysteine. This variant is present in population databases (rs747671225, ExAC 0.001%). This variant has not been reported in the literature in individuals with NBAS-related conditions. Algorithms developed to predict the effect of missense changes on protein structure and function (SIFT, PolyPhen-2, Align-GVGD) all suggest that this variant is likely to be disruptive, but these predictions have not been confirmed by published functional studies and their clinical significance is uncertain. In summary, the available evidence is currently insufficient to determine the role of this variant in disease. Therefore, it has been classified as a Variant of Uncertain Significance.

NM_015909.4(NBAS):c.6926A>G (p.Tyr2309Cys)

Gene: NBAS (NBAS subunit of NRZ tethering complex; minus strand). Cytogenetic location: 2p24.3.
Variant type: single nucleotide variant.
Coding change: c.6926A>G on transcript NM_015909.4 (MANE Select); coding-DNA position 6926, A replaced by G.
Protein change: p.Tyr2309Cys; replaces tyrosine 2309 with cysteine.
Molecular consequence: missense variant. On other transcripts: non-coding transcript variant (1).
Genome position (GRCh38, 1-based): chr2:15,167,238, T>C on the plus strand (A>G on the coding strand, the complement: NBAS is on the minus strand). VCF-style: chr2-15167238-T-C. GRCh37 (hg19) VCF-style: chr2-15307362-T-C.
Other names: short protein forms Y2309C.
Identifiers: ClinVar variation 1375343 (VCV001375343.8), dbSNP rs747671225, ClinGen allele CA1534815.